The following is an entry in ClinVar:

ClinVar aggregate classification (germline): Uncertain significance (1 of 4 stars; one submission).

Submission:

GeneDx
Classification: Uncertain significance. Last evaluated: 2023-11-10. Review status: criteria provided, single submitter. Criteria: GeneDx Variant Classification Process June 2021. Collection method: clinical testing. Allele origin: germline. Affected: yes.
Comment: Not observed at significant frequency in large population cohorts (gnomAD); In silico analysis supports that this missense variant has a deleterious effect on protein structure/function; Has not been previously published as pathogenic or benign to our knowledge

NM_015355.4(SUZ12):c.327A>G (p.Ile109Met)

Gene: SUZ12 (SUZ12 polycomb repressive complex 2 subunit; plus strand). Cytogenetic location: 17q11.2.
Variant type: single nucleotide variant.
Coding change: c.327A>G on transcript NM_015355.4 (MANE Select); coding-DNA position 327, A replaced by G.
Protein change: p.Ile109Met; replaces isoleucine 109 with methionine.
Molecular consequence: missense variant.
Genome position (GRCh38, 1-based): chr17:31,940,427, A>G. VCF-style: chr17-31940427-A-G. GRCh37 (hg19) VCF-style: chr17-30267446-A-G.
Other names: c.327A>G, p.Ile109Met (NM_001321207.2); short protein forms I109M.
Identifiers: ClinVar variation 3366049 (VCV003366049.1).